The following is an entry in ClinVar:

NM_000065.5(C6):c.1810G>A (p.Glu604Lys)

Gene: C6 (complement C6; minus strand). Cytogenetic location: 5p13.1.
Variant type: single nucleotide variant.
Coding change: c.1810G>A on transcript NM_000065.5 (MANE Select); coding-DNA position 1810, G replaced by A.
Protein change: p.Glu604Lys; replaces glutamic acid 604 with lysine.
Molecular consequence: missense variant.
Genome position (GRCh38, 1-based): chr5:41,159,128, C>T on the plus strand (G>A on the coding strand, the complement: C6 is on the minus strand). VCF-style: chr5-41159128-C-T. GRCh37 (hg19) VCF-style: chr5-41159230-C-T.
Other names: c.1810G>A, p.Glu604Lys (NM_001115131.4); short protein forms E604K.
Identifiers: ClinVar variation 3711425 (VCV003711425.3).

ClinVar aggregate classification (germline): Uncertain significance. Review status: criteria provided, multiple submitters, no conflicts (2 of 4 stars). 2 submissions from 2 submitters: Uncertain significance (2). Last evaluated 2026-01-22.

gnomAD v4.1: 53 of 1,613,620 alleles (0.0033%); highest among the groups gnomAD compares: Non-Finnish European, 0.0045%; no homozygotes.

Submissions (2):

Women's Health and Genetics/Laboratory Corporation of America, LabCorp
Classification: Uncertain significance. Last evaluated: 2026-01-22. Review status: criteria provided, single submitter. Criteria: LabCorp Variant Classification Summary - May 2015. Collection method: clinical testing. Allele origin: germline.

Labcorp Genetics (formerly Invitae), Labcorp
Classification: Uncertain significance. Last evaluated: 2024-05-09. Review status: criteria provided, single submitter. Criteria: Invitae Variant Classification Sherloc (09022015). Collection method: clinical testing. Allele origin: germline.
Comment: This sequence change replaces glutamic acid, which is acidic and polar, with lysine, which is basic and polar, at codon 604 of the C6 protein (p.Glu604Lys). This variant is present in population databases (rs753409567, gnomAD 0.003%). This variant has not been reported in the literature in individuals affected with C6-related conditions. Algorithms developed to predict the effect of missense changes on protein structure and function output the following: SIFT: "Not Available"; PolyPhen-2: "Benign"; Align-GVGD: "Not Available". The lysine amino acid residue is found in multiple mammalian species, which suggests that this missense change does not adversely affect protein function. In summary, the available evidence is currently insufficient to determine the role of this variant in disease. Therefore, it has been classified as a Variant of Uncertain Significance.